The following is an entry in ClinVar:

NM_000414.4(HSD17B4):c.349G>C (p.Asp117His)

Gene: HSD17B4 (hydroxysteroid 17-beta dehydrogenase 4; plus strand). Cytogenetic location: 5q23.1.
Variant type: single nucleotide variant.
Coding change: c.349G>C on transcript NM_000414.4 (MANE Select); coding-DNA position 349, G replaced by C.
Protein change: p.Asp117His; replaces aspartic acid 117 with histidine.
Molecular consequence: missense variant. On other transcripts: 5 prime UTR variant (5), non-coding transcript variant (2), intron variant (1).
Genome position (GRCh38, 1-based): chr5:119,475,870, G>C. VCF-style: chr5-119475870-G-C. GRCh37 (hg19) VCF-style: chr5-118811565-G-C.
Other names: c.424G>C, p.Asp142His (NM_001199291.3); c.295G>C, p.Asp99His (NM_001199292.2); c.277G>C, p.Asp93His (NM_001292027.2); c.-63G>C (NM_001292028.2, NM_001374501.1, NM_001374502.1 and 1 more transcripts); c.349G>C, p.Asp117His (NM_001374497.1, NM_001374498.1); c.-190G>C (NM_001374500.1); c.22+143G>C (NM_001374499.1); short protein forms D117H, D142H, D93H, D99H.
Identifiers: ClinVar variation 3370732 (VCV003370732.2).
Genomic context (GRCh38, chr5:119,475,870, plus strand): 5'-CATTGATTTTTTAGAATTCTGAGGGATCGTTCCTTTGCTAGGATAAGTGATGAAGACTGG[G>C]GTAAGTTGTTTTTAGTATTTCTCTGGGGAACATACTTATCCATTTAGCCTTTTTAGTATT-3'
Protein context (NP_000405.1, residues 107-127): SFARISDEDW[Asp117His]IIHRVHLRGS

ClinVar aggregate classification (germline): Uncertain significance. Review status: criteria provided, multiple submitters, no conflicts (2 of 4 stars). 2 submissions from 2 submitters: Uncertain significance (2). Last evaluated 2026-04-21.

Conditions:
HSD17B4-related disorder. Also called: HSD17B4-related disorders; HSD17B4-related condition.

gnomAD v4.1: 1 of 1,589,906 alleles (0.000063%); highest among the groups gnomAD compares: African/African-American, 0.0013%; no homozygotes.

Submissions (2):

PreventionGenetics, part of Exact Sciences
Classification: Uncertain significance for HSD17B4-related condition. Last evaluated: 2026-04-21. Review status: criteria provided, single submitter. Criteria: ACMG Guidelines, 2015. Collection method: clinical testing. Allele origin: germline.
Comment: The HSD17B4 c.349G>C variant is predicted to result in the amino acid substitution p.Asp117His. To our knowledge, this variant has not been reported in the literature. This variant is reported in 0.011% of alleles in individuals of African descent in gnomAD. At this time, the clinical significance of this variant is uncertain due to the absence of conclusive functional and genetic evidence.

GeneDx
Classification: Uncertain significance. Last evaluated: 2024-03-13. Review status: criteria provided, single submitter. Criteria: GeneDx Variant Classification Process June 2021. Collection method: clinical testing. Allele origin: germline. Affected: yes.
Comment: Not observed at significant frequency in large population cohorts (gnomAD); In silico analysis supports that this missense variant has a deleterious effect on protein structure/function; In silico analysis is inconclusive as to whether the variant alters gene splicing. In the absence of RNA/functional studies, the actual effect of this sequence change is unknown.; Has not been previously published as pathogenic or benign to our knowledge